The following is an entry in ClinVar:

NM_004304.5(ALK):c.1614G>A (p.Thr538=)

Gene: ALK (ALK receptor tyrosine kinase; minus strand). Cytogenetic location: 2p23.2.
Variant type: single nucleotide variant.
Coding change: c.1614G>A on transcript NM_004304.5 (MANE Select); coding-DNA position 1614, G replaced by A.
Protein change: p.Thr538=; no amino-acid change (threonine 538 retained).
Molecular consequence: synonymous variant.
Genome position (GRCh38, 1-based): chr2:29,318,337, C>T on the plus strand (G>A on the coding strand, the complement: ALK is on the minus strand). VCF-style: chr2-29318337-C-T. GRCh37 (hg19) VCF-style: chr2-29541203-C-T.
Identifiers: ClinVar variation 702121 (VCV000702121.37), dbSNP rs374205057, ClinGen allele CA1594591.

ClinVar aggregate classification (germline): Likely benign. Review status: criteria provided, multiple submitters, no conflicts (2 of 4 stars). 3 submissions from 3 submitters: Likely benign (3). Last evaluated 2025-12-03.

Conditions:
Neuroblastoma, susceptibility to, 3. Also called: ALK-Related Neuroblastic Tumor Susceptibility. Identifiers: Orphanet 635, MedGen C2751681, MONDO:0013083, OMIM 613014.
Hereditary cancer-predisposing syndrome. Also called: Neoplastic Syndromes, Hereditary; Tumor predisposition; Hereditary neoplastic syndrome; Hereditary Cancer Syndrome. Identifiers: Orphanet 140162, MedGen C0027672, MeSH D009386, MONDO:0015356.

Allele frequency attached by ClinVar (database versions not stated): TOPMed 0.00004; ESP Exome Variant Server 0.00008.
gnomAD v4.1: 29 of 1,613,866 alleles (0.0018%); highest among the groups gnomAD compares: African/African-American, 0.0053%; no homozygotes.

Submissions (3):

Labcorp Genetics (formerly Invitae), Labcorp
Classification: Likely benign for Neuroblastoma, susceptibility to, 3. Last evaluated: 2025-12-03. Review status: criteria provided, single submitter. Criteria: Invitae Variant Classification Sherloc (09022015). Collection method: clinical testing. Allele origin: germline.

CeGaT Center for Human Genetics Tuebingen
Classification: Likely benign. Last evaluated: 2023-05-01. Review status: criteria provided, single submitter. Criteria: CeGaT Center For Human Genetics Tuebingen Variant Classification Criteria Version 2. Collection method: clinical testing. Allele origin: germline. Affected: yes. Observed: 1 variant allele.
Comment: ALK: BP4, BP7

Ambry Genetics
Classification: Likely benign for Hereditary cancer-predisposing syndrome. Last evaluated: 2022-03-20. Review status: criteria provided, single submitter. Criteria: Ambry Variant Classification Scheme 2023. Collection method: clinical testing. Allele origin: germline.